The following is an entry in ClinVar:

NM_000535.7(PMS2):c.2560G>A (p.Ala854Thr)

Gene: PMS2 (PMS1 homolog 2, mismatch repair system component; minus strand). Cytogenetic location: 7p22.1.
Variant type: single nucleotide variant.
Coding change: c.2560G>A on transcript NM_000535.7 (MANE Select); coding-DNA position 2560, G replaced by A.
Protein change: p.Ala854Thr; replaces alanine 854 with threonine.
Molecular consequence: missense variant. On other transcripts: non-coding transcript variant (1).
Genome position (GRCh38, 1-based): chr7:5,973,428, C>T on the plus strand (G>A on the coding strand, the complement: PMS2 is on the minus strand). VCF-style: chr7-5973428-C-T. GRCh37 (hg19) VCF-style: chr7-6013059-C-T.
Other names: c.2404G>A, p.Ala802Thr (NM_001322006.2); c.1999G>A, p.Ala667Thr (NM_001322010.2); c.1627G>A, p.Ala543Thr (NM_001322011.2, NM_001322012.2); c.2242G>A, p.Ala748Thr (NM_001322007.2, NM_001322008.2); c.2188G>A, p.Ala730Thr (NM_001322009.2); c.2155G>A, p.Ala719Thr (NM_001322003.2, NM_001322004.2, NM_001322005.2); c.1987G>A, p.Ala663Thr (NM_001322013.2); c.2593G>A, p.Ala865Thr (NM_001322014.2); and 1 more; short protein forms A854T, A543T, A719T, A865T, A663T, A667T, A730T, A802T.
Identifiers: ClinVar variation 230486 (VCV000230486.27), dbSNP rs574371474, ClinGen allele CA048880.

ClinVar aggregate classification (germline): Conflicting classifications of pathogenicity. Review status: criteria provided, conflicting classifications (1 of 4 stars). 8 submissions from 8 submitters: Uncertain significance (6); Likely benign (1). 1 of the submissions does not count toward it. Last evaluated 2025-12-03.

Conditions:
Lynch syndrome 4 (LYNCH4). Also called: Colorectal cancer, hereditary nonpolyposis, type 4; Hereditary non-polyposis colorectal cancer, type 4. Identifiers: Orphanet 144, MedGen C1838333, MONDO:0013699, OMIM 614337. Disease mechanism: loss of function.
Mismatch repair cancer syndrome 1 (MMRCS1). Also called: BRAIN TUMOR-POLYPOSIS SYNDROME 1; BTP1 SYNDROME; CHILDHOOD CANCER SYNDROME; MISMATCH REPAIR DEFICIENCY; MMR DEFICIENCY. Identifiers: Orphanet 252202, MedGen C5399763, MONDO:0010159, OMIM 276300. Disease mechanism: loss of function.
Hereditary nonpolyposis colorectal neoplasms. Identifiers: MedGen C0009405, MeSH D003123.
Lynch-like syndrome.
Hereditary cancer-predisposing syndrome. Also called: Neoplastic Syndromes, Hereditary; Tumor predisposition; Hereditary Cancer Syndrome; Hereditary neoplastic syndrome. Identifiers: Orphanet 140162, MedGen C0027672, MeSH D009386, MONDO:0015356.

Allele frequency attached by ClinVar (database versions not stated): TOPMed 0.00001; ExAC 0.00002; gnomAD exomes 0.00002; 1000 Genomes Project 0.00020.

Submissions (8):

Labcorp Genetics (formerly Invitae), Labcorp
Classification: Uncertain significance for Hereditary nonpolyposis colorectal neoplasms. Last evaluated: 2025-12-03. Review status: criteria provided, single submitter. Criteria: Invitae Variant Classification Sherloc (09022015). Collection method: clinical testing. Allele origin: germline.
Comment: This sequence change replaces alanine, which is neutral and non-polar, with threonine, which is neutral and polar, at codon 854 of the PMS2 protein (p.Ala854Thr). The frequency data for this variant in the population databases (gnomAD) is considered unreliable due to the presence of homologous sequence, such as pseudogenes or paralogs, in the genome. This variant has not been reported in the literature in individuals affected with PMS2-related conditions. ClinVar contains an entry for this variant (Variation ID: 230486). Invitae Evidence Modeling incorporating data from in vitro experimental studies (internal data) indicates that this missense variant is not expected to disrupt PMS2 function with a negative predictive value of 95%. In summary, the available evidence is currently insufficient to determine the role of this variant in disease. Therefore, it has been classified as a Variant of Uncertain Significance.

Color Diagnostics, LLC DBA Color Health
Classification: Uncertain significance for Hereditary cancer-predisposing syndrome. Last evaluated: 2024-11-25. Review status: criteria provided, single submitter. Criteria: ACMG Guidelines, 2015. Collection method: clinical testing. Allele origin: germline.
Comment: This missense variant replaces alanine with threonine at codon 854 of the PMS2 protein. Computational prediction suggests that this variant may not impact protein structure and function (internally defined REVEL score threshold <= 0.5, PMID: 27666373). To our knowledge, functional studies have not been reported for this variant. This variant has not been reported in individuals affected with PMS2-related disorders in the literature. This variant has been identified in 4/203410 chromosomes in the general population by the Genome Aggregation Database (gnomAD). The available evidence is insufficient to determine the role of this variant in disease conclusively. Therefore, this variant is classified as a Variant of Uncertain Significance.

Molecular Pathology, Peter Maccallum Cancer Centre
Classification: Uncertain significance for Lynch syndrome 4. Last evaluated: 2024-05-30. Review status: criteria provided, single submitter. Criteria: ACMG Guidelines, 2015. Collection method: clinical testing. Allele origin: germline. Inheritance: Autosomal dominant inheritance.

GeneDx
Classification: Uncertain significance. Last evaluated: 2024-03-07. Review status: criteria provided, single submitter. Criteria: GeneDx Variant Classification Process June 2021. Collection method: clinical testing. Allele origin: germline. Affected: yes.
Comment: In silico analysis supports that this missense variant does not alter protein structure/function; Observed in individuals with breast cancer (PMID: 25186627, 33471991); This variant is associated with the following publications: (PMID: 33471991, 25186627, Fukui2011[Chapter])

Ambry Genetics
Classification: Likely benign for Hereditary cancer-predisposing syndrome. Last evaluated: 2023-09-29. Review status: criteria provided, single submitter. Criteria: Ambry Variant Classification Scheme 2023. Collection method: clinical testing. Allele origin: germline.

Sema4
Classification: Uncertain significance for Hereditary cancer-predisposing syndrome. Last evaluated: 2021-09-20. Review status: criteria provided, single submitter. Criteria: Sema4 Curation Guidelines. Collection method: curation. Allele origin: germline.
Comment: The PMS2 c.2560G>A (p.A854T) variant has been reported in at least one individual with breast cancer (PMID: 33471991). It was observed in 4/203410 chromosomes across all populations in the large and broad cohorts of the Genome Aggregation Database (PMID: 32461654). The variant has been reported in ClinVar (Variation ID: 230486). Functional studies have not been performed, and in silico predictions of the variant's effect on protein function are inconclusive. The evidence is insufficient to meet ACMG/AMP criteria for classifying the variant as benign or pathogenic. Thus, the clinical significance of this variant is currently uncertain.

Fulgent Genetics
Classification: Uncertain significance for Mismatch repair cancer syndrome 1; Lynch syndrome 4. Last evaluated: 2018-10-31. Review status: criteria provided, single submitter. Criteria: ACMG Guidelines, 2015. Collection method: clinical testing. Allele origin: unknown.

Constitutional Genetics Lab, Leon Berard Cancer Center
Classification: Uncertain significance for Lynch-like syndrome. Last evaluated: 2019-07-01. Review status: no assertion criteria provided. Collection method: clinical testing. Allele origin: somatic. Affected: yes. Not counted in ClinVar's aggregate classification.

Literature cited by the submitters: PubMed 25186627 (cited by Ambry Genetics); PubMed 33471991 (cited by Ambry Genetics and Sema4).